The following is an entry in ClinVar:

NM_002047.4(GARS1):c.700G>A (p.Glu234Lys)

Gene: GARS1 (glycyl-tRNA synthetase 1; plus strand). Cytogenetic location: 7p14.3.
Variant type: single nucleotide variant.
Coding change: c.700G>A on transcript NM_002047.4 (MANE Select); coding-DNA position 700, G replaced by A.
Protein change: p.Glu234Lys; replaces glutamic acid 234 with lysine.
Molecular consequence: missense variant.
Genome position (GRCh38, 1-based): chr7:30,603,537, G>A. VCF-style: chr7-30603537-G-A. GRCh37 (hg19) VCF-style: chr7-30643153-G-A.
Other names: c.538G>A, p.Glu180Lys (NM_001316772.1); c.700G>A (LRG_243t1); short protein forms E234K, E180K.
Identifiers: ClinVar variation 476760 (VCV000476760.15), dbSNP rs373326652, ClinGen allele CA4205789.

ClinVar aggregate classification (germline): Benign/Likely benign. Review status: criteria provided, multiple submitters, no conflicts (2 of 4 stars). 5 submissions from 3 submitters: Benign (2); Likely benign (3). Last evaluated 2025-11-24.

Conditions:
Charcot-Marie-Tooth disease type 2D (CMT2D). Also called: GARS1 Adolescent- or Early Adult-Onset Hereditary Motor/Sensory Neuropathy (GARS1-HMSN); Charcot-Marie-Tooth Neuropathy Type 2D; CHARCOT-MARIE-TOOTH DISEASE, AXONAL, TYPE 2D; CHARCOT-MARIE-TOOTH DISEASE, NEURONAL, TYPE 2D. Identifiers: Orphanet 99938, MedGen C1832274, MONDO:0011091, OMIM 601472.
Neuronopathy, distal hereditary motor, type 5A (HMND5). Also called: Distal Spinal Muscular Atrophy V (dSMA-V); NEURONOPATHY, DISTAL HEREDITARY MOTOR, AUTOSOMAL DOMINANT 5; Distal Spinal Muscular Atrophy V; DHMN VA. Identifiers: Orphanet 139536, MedGen CN031873, MONDO:0015353, OMIM 600794.
Charcot-Marie-Tooth disease type 2. Also called: Charcot-Marie-Tooth type 2. Identifiers: Orphanet 64746, MedGen C0270914, MONDO:0018993.
Distal spinal muscular atrophy. Also called: Distal hereditary motor neuronopathy; Distal hereditary motor neuropathy. Identifiers: Orphanet 53739, MedGen C0393541, MONDO:0018894.

Allele frequency attached by ClinVar (database versions not stated): gnomAD exomes 0.00002 and 0.00006; gnomAD 0.00008 and 0.00009; TOPMed 0.00008; ExAC 0.00009; ESP Exome Variant Server 0.00017.
gnomAD v4.1: 49 of 1,613,722 alleles (0.003%); highest among the groups gnomAD compares: African/African-American, 0.031%; no homozygotes.

Submissions (5):

Labcorp Genetics (formerly Invitae), Labcorp
Classification: Likely benign for Charcot-Marie-Tooth disease type 2. Last evaluated: 2025-11-24. Review status: criteria provided, single submitter. Criteria: Invitae Variant Classification Sherloc (09022015). Collection method: clinical testing. Allele origin: germline.

Women's Health and Genetics/Laboratory Corporation of America, LabCorp
Classification: Likely benign. Last evaluated: 2025-03-10. Review status: criteria provided, single submitter. Criteria: LabCorp Variant Classification Summary - May 2015. Collection method: clinical testing. Allele origin: germline.
Comment: Variant summary: GARS1 c.700G>A (p.Glu234Lys) results in a conservative amino acid change in the encoded protein sequence. Four of five in-silico tools predict a benign effect of the variant on protein function. The variant allele was found at a frequency of 3e-05 in 1606776 control chromosomes, predominantly at a frequency of 0.00031 within the African or African-American subpopulation in the gnomAD database. The observed variant frequency within African or African-American control individuals in the gnomAD database is approximately 310 fold of the estimated maximal expected allele frequency for a pathogenic variant in GARS1 causing Charcot-Marie-Tooth disease type 2D phenotype (1e-06). To our knowledge, no occurrence of c.700G>A in individuals affected with Charcot-Marie-Tooth disease type 2D and no experimental evidence demonstrating its impact on protein function have been reported. ClinVar contains an entry for this variant (Variation ID: 476760). Based on the evidence outlined above, the variant was classified as likely benign.

Illumina Laboratory Services, Illumina
Classification: Benign for Distal Spinal Muscular Atrophy. Last evaluated: 2017-05-31. Review status: criteria provided, single submitter. Criteria: ICSL Variant Classification Criteria 13 December 2019. Collection method: clinical testing. Allele origin: germline.
Comment: This variant was observed as part of a predisposition screen in an ostensibly healthy population. A literature search was performed for the gene, cDNA change, and amino acid change (where applicable). No publications were found based on this search. Allele frequency data from public databases was too high to be consistent with this variant causing disease. Therefore, this variant is classified as benign.

Illumina Laboratory Services, Illumina
Classification: Benign for Distal hereditary motor neuronopathy type 5. Last evaluated: 2017-05-31. Review status: criteria provided, single submitter. Criteria: ICSL Variant Classification Criteria 13 December 2019. Collection method: clinical testing. Allele origin: germline.
Comment: the same text as in the submission from Illumina Laboratory Services, Illumina above.

Illumina Laboratory Services, Illumina
Classification: Likely benign for Charcot-Marie-Tooth disease type 2D. Last evaluated: 2017-05-31. Review status: criteria provided, single submitter. Criteria: ICSL Variant Classification Criteria 13 December 2019. Collection method: clinical testing. Allele origin: germline.
Comment: This variant was observed as part of a predisposition screen in an ostensibly healthy population. A literature search was performed for the gene, cDNA change, and amino acid change (where applicable). No publications were found based on this search. Allele frequency data from public databases allowed determination this variant is unlikely to cause disease. Therefore, this variant is classified as likely benign.